The following is an entry in ClinVar:

NM_001242957.3(MAK):c.496C>T (p.Arg166Cys)

Gene: MAK (male germ cell associated kinase; minus strand). Cytogenetic location: 6p24.2.
Variant type: single nucleotide variant.
Coding change: c.496C>T on transcript NM_001242957.3 (MANE Select); coding-DNA position 496, C replaced by T.
Protein change: p.Arg166Cys; replaces arginine 166 with cysteine.
Molecular consequence: missense variant. On other transcripts: non-coding transcript variant (2).
Genome position (GRCh38, 1-based): chr6:10,803,887, G>A on the plus strand (C>T on the coding strand, the complement: MAK is on the minus strand). VCF-style: chr6-10803887-G-A. GRCh37 (hg19) VCF-style: chr6-10804120-G-A.
Other names: c.496C>T, p.Arg166Cys (NM_001242385.2, NM_005906.6); c.394C>T, p.Arg132Cys (NM_001377262.1); short protein forms R166C, R132C.
Identifiers: ClinVar variation 143122 (VCV000143122.7), dbSNP rs527236081, ClinGen allele CA270075.

ClinVar aggregate classification (germline): Uncertain significance. Review status: criteria provided, multiple submitters, no conflicts (2 of 4 stars). 3 submissions from 3 submitters: Uncertain significance (2). 1 of the submissions does not count toward it. Last evaluated 2024-07-22.

Conditions:
Retinitis pigmentosa (RP). Identifiers: Orphanet 791, MedGen C0035334, MeSH D012174, MONDO:0019200, OMIM 268000. Inheritance: Autosomal dominant, autosomal recessive and X linked inheritance.

Allele frequency attached by ClinVar (database versions not stated): gnomAD exomes below 0.00001 and 0.00001; ExAC 0.00001.

Submissions (3):

Women's Health and Genetics/Laboratory Corporation of America, LabCorp
Classification: Uncertain significance. Last evaluated: 2024-07-22. Review status: criteria provided, single submitter. Criteria: LabCorp Variant Classification Summary - May 2015. Collection method: clinical testing. Allele origin: germline.
Comment: Variant summary: MAK c.496C>T (p.Arg166Cys) results in a non-conservative amino acid change located in the Protein kinase domain (IPR000719) of the encoded protein sequence. Four of five in-silico tools predict a damaging effect of the variant on protein function. The variant allele was found at a frequency of 8e-06 in 251322 control chromosomes. c.496C>T has been reported in the literature in a setting of multi-gene panel testing in at least one homozygous individual affected with Retinitis Pigmentosa (e.g. Oishi_2014). These data indicate that the variant may be associated with disease. To our knowledge, no experimental evidence demonstrating an impact on protein function has been reported. The following publication has been ascertained in the context of this evaluation (PMID: 25324289). ClinVar contains an entry for this variant (Variation ID: 143122). Based on the evidence outlined above, the variant was classified as VUS-possibly pathogenic.

Labcorp Genetics (formerly Invitae), Labcorp
Classification: Uncertain significance. Last evaluated: 2021-09-01. Review status: criteria provided, single submitter. Criteria: Invitae Variant Classification Sherloc (09022015). Collection method: clinical testing. Allele origin: germline.

Department of Ophthalmology and Visual Sciences Kyoto University
Classification: Likely pathogenic for Retinitis pigmentosa. Review status: no assertion criteria provided. Collection method: not provided. Allele origin: unknown. Not counted in ClinVar's aggregate classification.
ClinVar note: Converted during submission from probable-pathogenic to Likely pathogenic.

Literature cited by the submitters: PubMed 25324289 (cited by Women's Health and Genetics/Laboratory Corporation of America, LabCorp).